The following is an entry in ClinVar:

ClinVar aggregate classification (germline): Conflicting classifications of pathogenicity. Review status: criteria provided, conflicting classifications (1 of 4 stars). 5 submissions from 5 submitters: Uncertain significance (4); Likely benign (1). Last evaluated 2025-12-24.

Conditions:
Cardiovascular phenotype. Identifiers: MedGen CN230736.

Allele frequency attached by ClinVar (database versions not stated): gnomAD exomes 0.00001; gnomAD 0.00005 and 0.00006; TOPMed 0.00006.
gnomAD v4.1: 69 of 1,550,158 alleles (0.0045%); highest among the groups gnomAD compares: African/African-American, 0.0055%; no homozygotes.

Submissions (5):

Women's Health and Genetics/Laboratory Corporation of America, LabCorp
Classification: Uncertain significance. Last evaluated: 2025-12-24. Review status: criteria provided, single submitter. Criteria: LabCorp Variant Classification Summary - May 2015. Collection method: clinical testing. Allele origin: germline.
Comment: Variant summary: ZNF469 c.7090G>A (p.Ala2364Thr) results in a non-conservative amino acid change in the encoded protein sequence. Algorithms developed to predict the effect of missense changes on protein structure and function are either unavailable or do not agree on the potential impact of this missense change. The variant allele was found at a frequency of 6.6e-06 in 151878 control chromosomes. The available data on variant occurrences in the general population are insufficient to allow any conclusion about variant significance. To our knowledge, no occurrence of c.7090G>A in individuals affected with ZNF469-related conditions and no experimental evidence demonstrating its impact on protein function have been reported. ClinVar contains an entry for this variant (Variation ID: 871980). Based on the evidence outlined above, the variant was classified as uncertain significance.

GeneDx
Classification: Uncertain significance. Last evaluated: 2025-02-18. Review status: criteria provided, single submitter. Criteria: GeneDx Variant Classification Process June 2021. Collection method: clinical testing. Allele origin: germline. Affected: yes.
Comment: Not observed at significant frequency in large population cohorts (gnomAD); In silico analysis supports that this missense variant does not alter protein structure/function; Has not been previously published as pathogenic or benign to our knowledge

Labcorp Genetics (formerly Invitae), Labcorp
Classification: Uncertain significance. Last evaluated: 2022-08-09. Review status: criteria provided, single submitter. Criteria: Invitae Variant Classification Sherloc (09022015). Collection method: clinical testing. Allele origin: germline.
Comment: This sequence change replaces alanine, which is neutral and non-polar, with threonine, which is neutral and polar, at codon 2336 of the ZNF469 protein (p.Ala2336Thr). The frequency data for this variant in the population databases is considered unreliable, as metrics indicate poor data quality at this position in the gnomAD database. This variant has not been reported in the literature in individuals affected with ZNF469-related conditions. ClinVar contains an entry for this variant (Variation ID: 871980). Algorithms developed to predict the effect of missense changes on protein structure and function output the following: SIFT: "Tolerated"; PolyPhen-2: "Benign"; Align-GVGD: "Class C0". The threonine amino acid residue is found in multiple mammalian species, which suggests that this missense change does not adversely affect protein function. In summary, the available evidence is currently insufficient to determine the role of this variant in disease. Therefore, it has been classified as a Variant of Uncertain Significance.

Ambry Genetics
Classification: Likely benign for Cardiovascular phenotype. Last evaluated: 2022-02-17. Review status: criteria provided, single submitter. Criteria: Ambry Variant Classification Scheme 2023. Collection method: clinical testing. Allele origin: germline.

CeGaT Center for Human Genetics Tuebingen
Classification: Uncertain significance. Last evaluated: 2019-10-01. Review status: criteria provided, single submitter. Criteria: CeGaT Center For Human Genetics Tuebingen Variant Classification Criteria Version 2. Collection method: clinical testing. Allele origin: germline. Affected: yes. Observed: 1 variant allele.

NM_001367624.2(ZNF469):c.7090G>A (p.Ala2364Thr)

Gene: ZNF469 (zinc finger protein 469; plus strand). Cytogenetic location: 16q24.2.
Variant type: single nucleotide variant.
Coding change: c.7090G>A on transcript NM_001367624.2 (MANE Select); coding-DNA position 7090, G replaced by A.
Protein change: p.Ala2364Thr; replaces alanine 2364 with threonine.
Molecular consequence: missense variant.
Genome position (GRCh38, 1-based): chr16:88,434,560, G>A. VCF-style: chr16-88434560-G-A. GRCh37 (hg19) VCF-style: chr16-88500968-G-A.
Other names: NM_001127464.1:c.7006G>A; short protein forms A2364T.
Identifiers: ClinVar variation 871980 (VCV000871980.50), dbSNP rs957383204, ClinGen allele CA286382330.